The following is an entry in ClinVar:

ClinVar aggregate classification (germline): Likely benign. Review status: criteria provided, multiple submitters, no conflicts (2 of 4 stars). 3 submissions from 3 submitters: Likely benign (3). Last evaluated 2026-01-28.

Conditions:
RP1-related disorder. Also called: RP1-related condition.

Allele frequency attached by ClinVar (database versions not stated): gnomAD exomes 0.00001 and 0.00004; ExAC 0.00006; TOPMed 0.00006; gnomAD 0.00007 and 0.00008; 1000 Genomes Project 0.00020; 1000 Genomes Project 30x 0.00031.
gnomAD v4.1: 25 of 1,614,002 alleles (0.0015%); highest among the groups gnomAD compares: African/African-American, 0.024%; no homozygotes.

Submissions (3):

Labcorp Genetics (formerly Invitae), Labcorp
Classification: Likely benign. Last evaluated: 2026-01-28. Review status: criteria provided, single submitter. Criteria: Invitae Variant Classification Sherloc (09022015). Collection method: clinical testing. Allele origin: germline.

PreventionGenetics, part of Exact Sciences
Classification: Likely benign for RP1-related condition. Last evaluated: 2025-08-02. Review status: criteria provided, single submitter. Criteria: ACMG Guidelines, 2015. Collection method: clinical testing. Allele origin: germline.
Comment: This variant is classified as likely benign based on ACMG/AMP sequence variant interpretation guidelines (Richards et al. 2015 PMID: 25741868, with internal and published modifications).

Blueprint Genetics
Classification: Likely benign. Last evaluated: 2022-03-12. Review status: criteria provided, single submitter. Criteria: ACMG Guidelines, 2015. Collection method: clinical testing. Allele origin: germline.

NM_006269.2(RP1):c.4269T>C (p.Cys1423=)

Gene: RP1 (RP1 axonemal microtubule associated; plus strand). Cytogenetic location: 8q12.1.
Variant type: single nucleotide variant.
Coding change: c.4269T>C on transcript NM_006269.2 (MANE Select); coding-DNA position 4269, T replaced by C.
Protein change: p.Cys1423=; no amino-acid change (cysteine 1423 retained).
Molecular consequence: synonymous variant. On other transcripts: intron variant (1).
Genome position (GRCh38, 1-based): chr8:54,628,151, T>C. VCF-style: chr8-54628151-T-C. GRCh37 (hg19) VCF-style: chr8-55540711-T-C.
Other names: c.787+5863T>C (NM_001375654.1); c.4269T>C (NM_006269.1).
Identifiers: ClinVar variation 1101507 (VCV001101507.11), dbSNP rs540468439, ClinGen allele CA4751833.
Genomic context (GRCh38, chr8:54,628,151, plus strand): 5'-AAGTGAAAAAGAAGCAGAACTTGATAAGAAACATAGTTCTCTAGATGATTTTGAAAATTG[T>C]TCACTAAGGAAGTTTCAGGATGAAAATGCATATACTTCCTTTGATATGGAAGAACCACGG-3'
Protein context (NP_006260.1, residues 1413-1433): KHSSLDDFEN[Cys1423=]SLRKFQDENA